The following is an entry in ClinVar:

NM_001278293.3(ARL6):c.480-23G>A

Gene: ARL6 (ARF like GTPase 6; plus strand). Cytogenetic location: 3q11.2.
Variant type: single nucleotide variant.
Coding change: c.480-23G>A on transcript NM_001278293.3 (MANE Select); 23 bases into the intron before coding-DNA position 480, G replaced by A.
Molecular consequence: intron variant. On other transcripts: non-coding transcript variant (2).
Genome position (GRCh38, 1-based): chr3:97,791,748, G>A. VCF-style: chr3-97791748-G-A. GRCh37 (hg19) VCF-style: chr3-97510592-G-A.
Other names: c.480-23G>A (NM_032146.5, NM_177976.3, NM_001323513.2); c.479+3629G>A (NM_001323514.2).
Identifiers: ClinVar variation 3349363 (VCV003349363.1).
Genomic context (GRCh38, chr3:97,791,748, plus strand): 5'-CCATATGGCAAAATTGTAATCCTTTATTCTTATAGTTTTGTGATGTAATGAGATGGCTAT[G>A]TTTCTTATGGATTTCATTTCAGTGCTAGTGATGCCATAAAAGGAGAAGGCTTGCAAGAAG-3'

ClinVar aggregate classification (germline): Likely benign (0 of 4 stars; one submission).

Conditions:
ARL6-related disorder. Also called: ARL6-related condition.

gnomAD v4.1: 3 of 1,611,536 alleles (0.00019%); highest among the groups gnomAD compares: African/African-American, 0.0013%; no homozygotes.

Submission:

PreventionGenetics, part of Exact Sciences
Classification: Likely benign for ARL6-related condition. Last evaluated: 2023-10-28. Review status: no assertion criteria provided. Collection method: clinical testing. Allele origin: germline.
Comment: This variant is classified as likely benign based on ACMG/AMP sequence variant interpretation guidelines (Richards et al. 2015 PMID: 25741868, with internal and published modifications).